The following is an entry in ClinVar:

NM_001103.4(ACTN2):c.656C>T (p.Ala219Val)

Gene: ACTN2 (actinin alpha 2; plus strand). Cytogenetic location: 1q43.
Variant type: single nucleotide variant.
Coding change: c.656C>T on transcript NM_001103.4 (MANE Select); coding-DNA position 656, C replaced by T.
Protein change: p.Ala219Val; replaces alanine 219 with valine.
Molecular consequence: missense variant. On other transcripts: non-coding transcript variant (1).
Genome position (GRCh38, 1-based): chr1:236,731,273, C>T. VCF-style: chr1-236731273-C-T. GRCh37 (hg19) VCF-style: chr1-236894573-C-T.
Other names: c.656C>T, p.Ala219Val (NM_001278343.2); short protein forms A219V.
Identifiers: ClinVar variation 3760781 (VCV003760781.2).

ClinVar aggregate classification (germline): Uncertain significance (1 of 4 stars; one submission).

Conditions:
Dilated cardiomyopathy 1AA (CMD1AA). Also called: Cardiomyopathy, dilated, 1AA, with or without LVNC; CARDIOMYOPATHY, DILATED, 1AA, WITH OR WITHOUT LEFT VENTRICULAR NONCOMPACTION; CARDIOMYOPATHY, FAMILIAL HYPERTROPHIC, 23, WITH OR WITHOUT LEFT VENTRICULAR NONCOMPACTION. Identifiers: Orphanet 154, MedGen C2677338, MONDO:0012808, OMIM 612158.
Primary familial hypertrophic cardiomyopathy (HCM). Identifiers: Orphanet 99739, MedGen C0949658, MeSH D024741, MONDO:0024573. Inheritance: Various modes of inheritance.

gnomAD v4.1: 1 of 1,613,858 alleles (0.000062%); highest among the groups gnomAD compares: Non-Finnish European, 0.000085%; no homozygotes.

Submission:

Labcorp Genetics (formerly Invitae), Labcorp
Classification: Uncertain significance for Primary familial hypertrophic cardiomyopathy; Dilated cardiomyopathy 1AA. Last evaluated: 2024-10-15. Review status: criteria provided, single submitter. Criteria: Invitae Variant Classification Sherloc (09022015). Collection method: clinical testing. Allele origin: germline.
Comment: This sequence change replaces alanine, which is neutral and non-polar, with valine, which is neutral and non-polar, at codon 219 of the ACTN2 protein (p.Ala219Val). This variant is not present in population databases (gnomAD no frequency). This variant has not been reported in the literature in individuals affected with ACTN2-related conditions. Invitae Evidence Modeling of protein sequence and biophysical properties (such as structural, functional, and spatial information, amino acid conservation, physicochemical variation, residue mobility, and thermodynamic stability) indicates that this missense variant is expected to disrupt ACTN2 protein function with a positive predictive value of 80%. In summary, the available evidence is currently insufficient to determine the role of this variant in disease. Therefore, it has been classified as a Variant of Uncertain Significance.